The following is an entry in ClinVar:

NM_001379286.1(ZNF423):c.1193C>T (p.Pro398Leu)

Gene: ZNF423 (zinc finger protein 423; minus strand). Cytogenetic location: 16q12.1.
Variant type: single nucleotide variant.
Coding change: c.1193C>T on transcript NM_001379286.1 (MANE Select); coding-DNA position 1193, C replaced by T.
Protein change: p.Pro398Leu; replaces proline 398 with leucine.
Molecular consequence: missense variant.
Genome position (GRCh38, 1-based): chr16:49,637,983, G>A on the plus strand (C>T on the coding strand, the complement: ZNF423 is on the minus strand). VCF-style: chr16-49637983-G-A. GRCh37 (hg19) VCF-style: chr16-49671894-G-A.
Other names: c.1169C>T (NM_015069.2, NM_015069.4); c.989C>T, p.Pro330Leu (NM_001271620.2); c.818C>T, p.Pro273Leu (NM_001330533.2); c.1169C>T, p.Pro390Leu (NM_015069.5); short protein forms P273L, P390L, P330L, P398L.
Identifiers: ClinVar variation 970043 (VCV000970043.15), dbSNP rs112570445, ClinGen allele CA8046737.
Genomic context (GRCh38, chr16:49,637,983, plus strand): 5'-CTATAGACCACCTTGGTCCAGCCCTGCCCGTCATCCCGCATCTTCTTCTGCCCCCGCAGC[G>A]GCTTCAAGGTGGAGTCCGGGGTGGAGCCACGCTCCACAGAGGCGCTGGAGTCGGGTGTGG-3'
Protein context (NP_001366215.1, residues 388-408): RGSTPDSTLK[Pro398Leu]LRGQKKMRDD

ClinVar aggregate classification (germline): Uncertain significance. Review status: criteria provided, multiple submitters, no conflicts (2 of 4 stars). 5 submissions from 5 submitters: Uncertain significance (5). Last evaluated 2025-11-17.

Conditions:
Nephronophthisis 14 (NPHP14). Identifiers: Orphanet 2318, MedGen C3539071, MONDO:0013916, OMIM 614844.

Allele frequency attached by ClinVar (database versions not stated): TOPMed 0.00005; gnomAD exomes 0.00011; ExAC 0.00013; ESP Exome Variant Server 0.00015; 1000 Genomes Project 30x 0.00016; 1000 Genomes Project 0.00020.
gnomAD v4.1: 136 of 1,614,120 alleles (0.0084%); highest among the groups gnomAD compares: African/African-American, 0.012%; no homozygotes.

Submissions (5):

Labcorp Genetics (formerly Invitae), Labcorp
Classification: Uncertain significance for Nephronophthisis 14. Last evaluated: 2025-11-17. Review status: criteria provided, single submitter. Criteria: Invitae Variant Classification Sherloc (09022015). Collection method: clinical testing. Allele origin: germline.
Comment: This sequence change replaces proline, which is neutral and non-polar, with leucine, which is neutral and non-polar, at codon 390 of the ZNF423 protein (p.Pro390Leu). This variant is present in population databases (rs112570445, gnomAD 0.03%). This variant has not been reported in the literature in individuals affected with ZNF423-related conditions. ClinVar contains an entry for this variant (Variation ID: 970043). Invitae Evidence Modeling of protein sequence and biophysical properties (such as structural, functional, and spatial information, amino acid conservation, physicochemical variation, residue mobility, and thermodynamic stability) indicates that this missense variant is not expected to disrupt ZNF423 protein function with a negative predictive value of 80%. In summary, the available evidence is currently insufficient to determine the role of this variant in disease. Therefore, it has been classified as a Variant of Uncertain Significance.

Ambry Genetics
Classification: Uncertain significance. Last evaluated: 2025-04-18. Review status: criteria provided, single submitter. Criteria: Ambry Variant Classification Scheme 2023. Collection method: clinical testing. Allele origin: germline.

Blueprint Genetics
Classification: Uncertain significance. Last evaluated: 2024-10-29. Review status: criteria provided, single submitter. Criteria: ACMG Guidelines, 2015. Collection method: clinical testing. Allele origin: germline.

GeneDx
Classification: Uncertain significance. Last evaluated: 2023-12-07. Review status: criteria provided, single submitter. Criteria: GeneDx Variant Classification Process June 2021. Collection method: clinical testing. Allele origin: germline. Affected: yes.
Comment: In silico analysis supports that this missense variant does not alter protein structure/function; Has not been previously published as pathogenic or benign to our knowledge

Revvity Omics, Revvity
Classification: Uncertain significance for Nephronophthisis 14. Last evaluated: 2022-10-20. Review status: criteria provided, single submitter. Criteria: ACMG Guidelines, 2015. Collection method: clinical testing. Allele origin: germline.